The following is an entry in ClinVar:

ClinVar aggregate classification (germline): Likely benign. Review status: criteria provided, multiple submitters, no conflicts (2 of 4 stars). 3 submissions from 3 submitters: Likely benign (3). Last evaluated 2026-01-09.

Allele frequency attached by ClinVar (database versions not stated): ExAC 0.00003; gnomAD 0.00004; gnomAD exomes 0.00004; TOPMed 0.00004.
gnomAD v4.1: 62 of 1,614,060 alleles (0.0038%); highest among the groups gnomAD compares: Admixed American, 0.0083%; no homozygotes.

Submissions (3):

Labcorp Genetics (formerly Invitae), Labcorp
Classification: Likely benign. Last evaluated: 2026-01-09. Review status: criteria provided, single submitter. Criteria: Invitae Variant Classification Sherloc (09022015). Collection method: clinical testing. Allele origin: germline.

Mayo Clinic Laboratories, Mayo Clinic
Classification: Likely benign. Last evaluated: 2025-02-03. Review status: criteria provided, single submitter. Criteria: ACMG Guidelines, 2015. Collection method: clinical testing. Allele origin: germline. Observed: 1 variant allele.
Comment: BP4, BP7

Blueprint Genetics
Classification: Likely benign. Last evaluated: 2023-10-26. Review status: criteria provided, single submitter. Criteria: ACMG Guidelines, 2015. Collection method: clinical testing. Allele origin: germline.

NM_001386140.1(MTTP):c.186C>T (p.Asn62=)

Gene: MTTP (microsomal triglyceride transfer protein; plus strand). Cytogenetic location: 4q23.
Variant type: single nucleotide variant.
Coding change: c.186C>T on transcript NM_001386140.1 (MANE Select); coding-DNA position 186, C replaced by T.
Protein change: p.Asn62=; no amino-acid change (asparagine 62 retained).
Molecular consequence: synonymous variant. On other transcripts: 5 prime UTR variant (1).
Genome position (GRCh38, 1-based): chr4:99,582,029, C>T. VCF-style: chr4-99582029-C-T. GRCh37 (hg19) VCF-style: chr4-100503186-C-T.
Other names: p.Asn62=; c.186C>T, p.Asn62= (NM_000253.4); c.-64C>T (NM_001300785.2).
Identifiers: ClinVar variation 746422 (VCV000746422.11), dbSNP rs776338005, ClinGen allele CA3021764.